The following is an entry in ClinVar:

NM_001267550.2(TTN):c.98994del (p.Lys32998fs)

Genes: TTN (titin; minus strand), TTN-AS1 (TTN antisense RNA 1; plus strand). Cytogenetic location: 2q31.2.
Variant type: Deletion.
Coding change: c.98994del on transcript NM_001267550.2 (MANE Select); coding-DNA position 98994, one base deleted (A; older notation c.98994delA).
Protein change: p.Lys32998fs; shifts the reading frame from lysine 32998.
Molecular consequence: frameshift variant. On other transcripts: non-coding transcript variant (1).
Genome position (GRCh38, 1-based): chr2:178,538,835, T deleted on the plus strand (A on the coding strand, the reverse complement: TTN is on the minus strand); the first of 3 consecutive T bases (chr2:178,538,835-178,538,837); deleting any one gives the same sequence. VCF-style (leftmost placement, unchanged base first): chr2-178538834-GT-G. GRCh37 (hg19) VCF-style: chr2-179403561-GT-G.
Other names: p.Lys32998AsnfsTer63; NM_001267550.2(TTN):c.98994del; p.Lys32998fs; c.91290delA (NM_133378.4); c.98994delA (NM_001267550.2); c.94071delA (NM_001256850.1); c.71799delA (NM_003319.4); c.94071del, p.Lys31357fs (NM_001256850.1); and 5 more; short protein forms K24125fs, K30430fs, K23933fs, K24058fs, K32998fs, K31357fs.
Identifiers: ClinVar variation 178913 (VCV000178913.33), dbSNP rs727504535, ClinGen allele CA273567.

ClinVar aggregate classification (germline): Pathogenic/Likely pathogenic. Review status: criteria provided, multiple submitters, no conflicts (2 of 4 stars). 9 submissions from 9 submitters: Pathogenic (6); Likely pathogenic (2). 1 of the submissions does not count toward it. Last evaluated 2026-02-27.

Conditions:
TTN-related disorder. Also called: TTN-related condition; TTN-related disease; TTN-related disorders.
Autosomal recessive titinopathy. Identifiers: MedGen CN315649, MONDO:0100493.
Cardiovascular phenotype. Identifiers: MedGen CN230736.
Primary familial dilated cardiomyopathy (FDC). Also called: Hypokinetic dilated cardiomyopathy, familial; Familial dilated cardiomyopathy. Identifiers: Orphanet 217607, MedGen C0340427, MONDO:0016333.
Dilated cardiomyopathy 1G (CMD1G). Identifiers: Orphanet 154, MedGen C1858763, MONDO:0011400, OMIM 604145.
Autosomal recessive limb-girdle muscular dystrophy type 2J (LGMDR10). Also called: Limb-girdle muscular dystrophy, type 2J; MUSCULAR DYSTROPHY, LIMB-GIRDLE, AUTOSOMAL RECESSIVE 10. Identifiers: Orphanet 140922, MedGen C1837342, MONDO:0012127, OMIM 608807.
Primary dilated cardiomyopathy (DCM). Also called: Dilated Cardiomyopathy. Identifiers: Orphanet 217604, MedGen C0007193, MeSH D002311, MONDO:0005021, HP:0001644. Inheritance: Various modes of inheritance.

Submissions 1 to 6 of 9:

PreventionGenetics, part of Exact Sciences
Classification: Pathogenic for TTN-related condition. Last evaluated: 2026-02-27. Review status: criteria provided, single submitter. Criteria: ACMG Guidelines, 2015. Collection method: clinical testing. Allele origin: germline.
Comment: The TTN c.98994delA variant is predicted to result in a frameshift and premature protein termination (p.Lys32998Asnfs*63). This variant was reported in the compound heterozygous state in two siblings with autosomal recessive TTN-related myopathy, and a maternal family history of cardiomyopathy (Family C in Averdunk et al. 2022. PubMed ID: 35605965). This variant was also reported in a large cohort study of individuals with left ventricular noncompaction (Supp. Table S2 Mazzarotto et al. 2021. PubMed ID: 33500567). This variant is reported in 0.00091% of alleles in individuals of European (non-Finnish) descent in gnomAD. This variant is located in the A-band region of the protein in which truncating TTN variants have been found more frequently in dilated cardiomyopathy patients than in controls (Herman et al. 2012. PubMed ID: 22335739). RNAseq studies from heart tissue indicate this exon is commonly included in TTN mRNA transcripts (PSI of 100%, Roberts et al. 2015. PubMed ID: 25589632). TTN loss-of-function variants occurring in constitutively expressed exons (PSI > 90%) are more likely to be disease causing for TTN cardiac-related disorders regardless of band location (Roberts et al. 2015. PubMed ID: 25589632; Schafer et al. 2017. PubMed ID: 27869827; Akhtar et al. 2020. PubMed ID: 32964742). Many cases of recessive TTN-related myopathies in which the individual is compound heterozygous for two loss-of-function variants in TTN have also been reported (Ge et al. 2019. PubMed ID: 31053406; Oates et al. 2018. PubMed ID: 29691892; Rees et al. 2021. PubMed ID: 33449170). In summary, this variant is categorized as pathogenic. Of note, this variant is considered pathogenic for increased risk of TTN-related cardiac disorders, and also for autosomal recessive TTN-related congenital titinopathies.

Labcorp Genetics (formerly Invitae), Labcorp
Classification: Pathogenic for Dilated cardiomyopathy 1G; Autosomal recessive limb-girdle muscular dystrophy type 2J. Last evaluated: 2025-11-24. Review status: criteria provided, single submitter. Criteria: Invitae Variant Classification Sherloc (09022015). Collection method: clinical testing. Allele origin: germline.
Comment: This sequence change creates a premature translational stop signal (p.Lys32998Asnfs*63) in the TTN gene. While this is not anticipated to result in nonsense mediated decay, it is expected to create a truncated TTN protein. This variant is not present in population databases (gnomAD no frequency). This premature translational stop signal has been observed in individual(s) with clinical features of autosomal dominant TTN-related conditions and/or clinical features of autosomal recessive congenital myopathy (PMID: 33500567, 35605965). It has also been observed to segregate with disease in related individuals. ClinVar contains an entry for this variant (Variation ID: 178913). This variant is located in the A band of TTN (PMID: 25589632). Truncating variants in this region are significantly overrepresented in patients affected with dilated cardiomyopathy (PMID: 25589632). Truncating variants in this region have also been reported in individuals affected with autosomal recessive centronuclear myopathy (PMID: 23975875). For these reasons, this variant has been classified as Pathogenic.

Ambry Genetics
Classification: Pathogenic for Cardiovascular phenotype. Last evaluated: 2025-01-14. Review status: criteria provided, single submitter. Criteria: Ambry Variant Classification Scheme 2023. Collection method: clinical testing. Allele origin: germline.
Comment: The c.71799delA pathogenic mutation, located in coding exon 181 of the TTN gene, results from a deletion of one nucleotide at nucleotide position 71799, causing a translational frameshift with a predicted alternate stop codon (p.K23933Nfs*63). This exon is located in the A-band region of the N2-B isoform of the titin protein and is constitutively expressed in TTN transcripts (percent spliced in or PSI 100%). This variant was reported in individual(s) with features consistent with dilated cardiomyopathy (Ambry internal data). This variant is considered to be rare based on population cohorts in the Genome Aggregation Database (gnomAD). This alteration is expected to result in loss of function by premature protein truncation or nonsense-mediated mRNA decay. While truncating variants in TTN are present in 1-3% of the general population, truncating variants in the A-band are the most common cause of dilated cardiomyopathy (DCM) (Herman DS et al. N. Engl. J. Med., 2012 Feb;366:619-28; Roberts AM et al. Sci Transl Med, 2015 Jan;7:270ra6). TTN truncating variants encoded in constitutive exons (PSI >90%) have been found to be significantly associated with DCM regardless of their position in titin (Schafer S et al. Nat. Genet., 2017 01;49:46-53). Based on the supporting evidence, this alteration is interpreted as a disease-causing mutation.

Broad Center for Mendelian Genomics, Broad Institute of MIT and Harvard
Classification: Pathogenic for Autosomal recessive titinopathy. Last evaluated: 2024-12-10. Review status: criteria provided, single submitter. Criteria: ACMG Guidelines, 2015. Collection method: curation. Allele origin: germline. Inheritance: Autosomal recessive inheritance. Study: GREGoR Consortium.
Comment: The heterozygous p.Lys32998AsnfsTer63 variant in TTN was identified by our study in 2 affected siblings with congenital myopathy, in the compound heterozygous state along with a likely pathogenic variant (PMID: 35605965). Trio exome analysis revealed that this variant was in trans with the likely pathogenic variant. The p.Lys32998AsnfsTer63 variant has not been previously reported in the literature in individuals with congenital myopathy, but has been identified in 0.0003% (4/1174272) of European (non-Finnish) chromosomes by the Genome Aggregation Database (gnomAD; dbSNP rs727504535). Although this variant has been seen in the general population in a heterozygous state, its frequency is low enough to be consistent with a recessive carrier frequency. This variant has also been reported in ClinVar (Variation ID: 178913) and has been interpreted as pathogenic/likely pathogenic by many submitters and a variant of uncertain significance by Athena Diagnostics. This variant is predicted to cause a frameshift, which alters the protein’s amino acid sequence beginning at position 32998 and leads to a premature termination codon 63 amino acids downstream. This alteration is then predicted to lead to a truncated or absent protein. Loss of function of the TTN gene is an established disease mechanism in congenital myopathy. In summary, this variant meets criteria to be classified as pathogenic for congenital myopathy. ACMG/AMP Criteria applied: PVS1, PM3, PM2_supporting (Richards 2015).

Athena Diagnostics
Classification: Pathogenic. Last evaluated: 2024-11-07. Review status: criteria provided, single submitter. Criteria: Athena Diagnostics Criteria. Collection method: clinical testing. Allele origin: unknown.
Comment: This variant alters a critical location within the protein, and is expected to severely affect function and cause disease. The frequency of this variant in the general population is consistent with pathogenicity. This variant is predicted to result in premature termination and the loss of a functional protein in three main isoforms (major cardiac long isoform: NM_001256850.1, major skeletal muscle long isoform: NM_133378.4, and the inferred complete isoform: NM_001267550.1). This variant is located in the TTN A-band. Premature termination variants that occur in this region are enriched in cardiomyopathy patients compared with the general population (PMID: 31849696). This variant has been identified in at least one individual with autosomal dominant dilated cardiomyopathy. Patients with autosomal recessive skeletal muscle disease have been reported in the A-band, though the disease association is not as well established (PMID: 23975875, 38050027, 32815318). Premature termination variants in the TTN gene have also been found in healthy individuals (PMID: 25589632).

GeneDx
Classification: Pathogenic. Last evaluated: 2023-01-30. Review status: criteria provided, single submitter. Criteria: GeneDx Variant Classification Process June 2021. Collection method: clinical testing. Allele origin: germline. Affected: yes.
Comment: Not observed at significant frequency in large population cohorts (gnomAD); Frameshift variant predicted to result in protein truncation or nonsense mediated decay in a gene for which loss-of-function is a known mechanism of disease; Located in the A-band region of TTN in which the majority of loss of function variants have been associated with autosomal dominant titinopathies (Herman et al., 2012); This variant is associated with the following publications: (PMID: 33500567, 22335739, 35605965)